The following is an entry in ClinVar:

ClinVar aggregate classification (germline): Uncertain significance (1 of 4 stars; one submission).

Conditions:
Hereditary breast ovarian cancer syndrome. Also called: Hereditary breast and ovarian cancer syndrome (HBOC); Hereditary breast and ovarian cancer; Breast and ovarian cancer; Hereditary breast and/or ovarian cancer syndrome; BRCA1- and BRCA2-Associated Hereditary Breast and Ovarian Cancer; Hereditary breast and ovarian cancer syndrome. Identifiers: Orphanet 145, MedGen C0677776, MeSH D061325, MONDO:0003582. Disease mechanism: loss of function.

Submission:

Labcorp Genetics (formerly Invitae), Labcorp
Classification: Uncertain significance for Hereditary breast ovarian cancer syndrome. Last evaluated: 2025-03-31. Review status: criteria provided, single submitter. Criteria: Invitae Variant Classification Sherloc (09022015). Collection method: clinical testing. Allele origin: germline.
Comment: This sequence change replaces proline, which is neutral and non-polar, with threonine, which is neutral and polar, at codon 773 of the BRCA2 protein (p.Pro773Thr). This variant is not present in population databases (gnomAD no frequency). This variant has not been reported in the literature in individuals affected with BRCA2-related conditions. Invitae Evidence Modeling of protein sequence and biophysical properties (such as structural, functional, and spatial information, amino acid conservation, physicochemical variation, residue mobility, and thermodynamic stability) indicates that this missense variant is not expected to disrupt BRCA2 protein function with a negative predictive value of 95%. In summary, the available evidence is currently insufficient to determine the role of this variant in disease. Therefore, it has been classified as a Variant of Uncertain Significance.

NM_000059.4(BRCA2):c.2317C>A (p.Pro773Thr)

Gene: BRCA2 (BRCA2 DNA repair associated; plus strand). Cytogenetic location: 13q13.1.
Variant type: single nucleotide variant.
Coding change: c.2317C>A on transcript NM_000059.4 (MANE Select); coding-DNA position 2317, C replaced by A.
Protein change: p.Pro773Thr; replaces proline 773 with threonine.
Molecular consequence: missense variant. On other transcripts: non-coding transcript variant (1), intron variant (2).
Genome position (GRCh38, 1-based): chr13:32,336,672, C>A. VCF-style: chr13-32336672-C-A. GRCh37 (hg19) VCF-style: chr13-32910809-C-A.
Other names: c.2317C>A, p.Pro773Thr (NM_001406719.1, NM_001406720.1, NM_001432077.1); c.1909+3285C>A (NM_001406721.1); c.424+5642C>A (NM_001406722.1); short protein forms P773T.
Identifiers: ClinVar variation 4802286 (VCV004802286.1).
Genomic context (GRCh38, chr13:32,336,672, plus strand): 5'-TTTCAATCCCAGAAAAGTCTTTTATATGATCATGAAAATGCCAGCACTCTTATTTTAACT[C>A]CTACTTCCAAGGATGTTCTGTCAAACCTAGTCATGATTTCTAGAGGCAAAGAATCATACA-3'
Protein context (NP_000050.3, residues 763-783): HENASTLILT[Pro773Thr]TSKDVLSNLV